The following is an entry in ClinVar:

NM_001961.4(EEF2):c.2175A>G (p.Ala725=)

Genes: EEF2 (eukaryotic translation elongation factor 2; minus strand), LOC130063169 (ATAC-STARR-seq lymphoblastoid active region 13746; plus strand). Cytogenetic location: 19p13.3.
Variant type: single nucleotide variant.
Coding change: c.2175A>G on transcript NM_001961.4 (MANE Select); coding-DNA position 2175, A replaced by G.
Protein change: p.Ala725=; no amino-acid change (alanine 725 retained).
Molecular consequence: synonymous variant.
Genome position (GRCh38, 1-based): chr19:3,977,503, T>C on the plus strand (A>G on the coding strand, the complement: EEF2 is on the minus strand). VCF-style: chr19-3977503-T-C. GRCh37 (hg19) VCF-style: chr19-3977501-T-C.
Identifiers: ClinVar variation 585828 (VCV000585828.14), dbSNP rs117017020, ClinGen allele CA9088641.
Genomic context (GRCh38, chr19:3,977,503, plus strand): 5'-GTAGATGGGCTCCATGAGGCGTGGCTGGGCGGTCAGCACACTGGCATAGAGGCAGCGCCG[T>C]GCTGTGGGGATGATCTGGCCCCCTCCGCGGTGGATGGCGTCGGCGTGCAGGGTGACGTCG-3'
Protein context (NP_001952.1, residues 715-735): HRGGGQIIPT[Ala725=]RRCLYASVLT

ClinVar aggregate classification (germline): Benign/Likely benign. Review status: criteria provided, multiple submitters, no conflicts (2 of 4 stars). 4 submissions from 4 submitters: Benign (2); Likely benign (1). 1 of the submissions does not count toward it. Last evaluated 2026-01-06.

Conditions:
EEF2-related disorder. Also called: EEF2-related condition.

Allele frequency attached by ClinVar (database versions not stated): gnomAD 0.00045 and 0.00088; TOPMed 0.00063; gnomAD exomes 0.00072 and 0.00179; ExAC 0.00204; 1000 Genomes Project 30x 0.00531; 1000 Genomes Project 0.00599.

Submissions (4):

Labcorp Genetics (formerly Invitae), Labcorp
Classification: Benign. Last evaluated: 2026-01-06. Review status: criteria provided, single submitter. Criteria: Invitae Variant Classification Sherloc (09022015). Collection method: clinical testing. Allele origin: germline.

Blueprint Genetics
Classification: Likely benign. Last evaluated: 2024-11-21. Review status: criteria provided, single submitter. Criteria: ACMG Guidelines, 2015. Collection method: clinical testing. Allele origin: germline.

Athena Diagnostics
Classification: Benign. Last evaluated: 2017-10-23. Review status: criteria provided, single submitter. Criteria: Athena Diagnostics Criteria. Collection method: clinical testing. Allele origin: germline.

PreventionGenetics, part of Exact Sciences
Classification: Benign for EEF2-related condition. Last evaluated: 2019-07-15. Review status: no assertion criteria provided. Collection method: clinical testing. Allele origin: germline. Not counted in ClinVar's aggregate classification.
Comment: This variant is classified as benign based on ACMG/AMP sequence variant interpretation guidelines (Richards et al. 2015 PMID: 25741868, with internal and published modifications).